The following is an entry in ClinVar:

NM_001367721.1(CASK):c.938C>G (p.Ser313Ter)

Gene: CASK (calcium/calmodulin dependent serine protein kinase; minus strand). Cytogenetic location: Xp11.4.
Variant type: single nucleotide variant.
Coding change: c.938C>G on transcript NM_001367721.1 (MANE Select); coding-DNA position 938, C replaced by G.
Protein change: p.Ser313Ter; replaces serine 313 with a stop codon.
Molecular consequence: nonsense.
Genome position (GRCh38, 1-based): chrX:41,626,681, G>C on the plus strand (C>G on the coding strand, the complement: CASK is on the minus strand). VCF-style: chrX-41626681-G-C. GRCh37 (hg19) VCF-style: chrX-41485934-G-C.
Other names: c.938C>G, p.Ser313Ter (NM_001126054.3, NM_001126055.3, NM_001410745.1 and 1 more transcripts); short protein forms S313*.
Identifiers: ClinVar variation 1076957 (VCV001076957.2), dbSNP rs2147336769, ClinGen allele CA412994077.

ClinVar aggregate classification (germline): Pathogenic (1 of 4 stars; one submission).

Conditions:
Intellectual disability, CASK-related, X-linked. Identifiers: MedGen CN043158.

Submission:

Labcorp Genetics (formerly Invitae), Labcorp
Classification: Pathogenic for Intellectual disability, CASK-related, X-linked. Last evaluated: 2020-05-04. Review status: criteria provided, single submitter. Criteria: Invitae Variant Classification Sherloc (09022015). Collection method: clinical testing. Allele origin: germline.
Comment: This sequence change creates a premature translational stop signal (p.Ser313*) in the CASK gene. It is expected to result in an absent or disrupted protein product. This variant is not present in population databases (ExAC no frequency). This variant has not been reported in the literature in individuals with CASK-related conditions. Loss-of-function variants in CASK are known to be pathogenic (PMID: 19165920, 20029458, 21954287, 22452838, 22709267). For these reasons, this variant has been classified as Pathogenic.

Literature cited by the submitters: PubMed 19165920; PubMed 20029458; PubMed 21954287; PubMed 22452838; PubMed 22709267.